The following is an entry in ClinVar:

ClinVar aggregate classification (germline): Uncertain significance (1 of 4 stars; one submission).

Allele frequency attached by ClinVar (database versions not stated): gnomAD exomes below 0.00001; ExAC 0.00001.
gnomAD v4.1: 1 of 1,613,862 alleles (0.000062%); highest among the groups gnomAD compares: East Asian, 0.0022%; no homozygotes.

Submission:

Labcorp Genetics (formerly Invitae), Labcorp
Classification: Uncertain significance. Last evaluated: 2022-07-23. Review status: criteria provided, single submitter. Criteria: Invitae Variant Classification Sherloc (09022015). Collection method: clinical testing. Allele origin: germline.
Comment: Algorithms developed to predict the effect of missense changes on protein structure and function are either unavailable or do not agree on the potential impact of this missense change (SIFT: "Tolerated"; PolyPhen-2: "Not Available"; Align-GVGD: "Class C0"). This sequence change replaces alanine, which is neutral and non-polar, with glycine, which is neutral and non-polar, at codon 715 of the CYFIP2 protein (p.Ala715Gly). This variant is present in population databases (rs760767488, gnomAD 0.02%). This variant has not been reported in the literature in individuals affected with CYFIP2-related conditions. In summary, the available evidence is currently insufficient to determine the role of this variant in disease. Therefore, it has been classified as a Variant of Uncertain Significance.

NM_001037333.3(CYFIP2):c.2144C>G (p.Ala715Gly)

Gene: CYFIP2 (cytoplasmic FMR1 interacting protein 2; plus strand). Cytogenetic location: 5q33.3.
Variant type: single nucleotide variant.
Coding change: c.2144C>G on transcript NM_001037333.3 (MANE Select); coding-DNA position 2144, C replaced by G.
Protein change: p.Ala715Gly; replaces alanine 715 with glycine.
Molecular consequence: missense variant.
Genome position (GRCh38, 1-based): chr5:157,328,037, C>G. VCF-style: chr5-157328037-C-G. GRCh37 (hg19) VCF-style: chr5-156755045-C-G.
Other names: c.2066C>G, p.Ala689Gly (NM_001291721.2); c.2219C>G, p.Ala740Gly (NM_001291722.2); c.2144C>G, p.Ala715Gly (NM_014376.4); short protein forms A689G, A715G, A740G.
Identifiers: ClinVar variation 2010622 (VCV002010622.4), dbSNP rs760767488, ClinGen allele CA3533766.